The following is an entry in ClinVar:

NM_025074.7(FRAS1):c.1721G>A (p.Arg574Lys)

Gene: FRAS1 (Fraser extracellular matrix complex subunit 1; plus strand). Cytogenetic location: 4q21.21.
Variant type: single nucleotide variant.
Coding change: c.1721G>A on transcript NM_025074.7 (MANE Select); coding-DNA position 1721, G replaced by A.
Protein change: p.Arg574Lys; replaces arginine 574 with lysine.
Molecular consequence: missense variant.
Genome position (GRCh38, 1-based): chr4:78,315,636, G>A. VCF-style: chr4-78315636-G-A. GRCh37 (hg19) VCF-style: chr4-79236790-G-A.
Other names: c.1721G>A, p.Arg574Lys (NM_001166133.2); short protein forms R574K.
Identifiers: ClinVar variation 1992784 (VCV001992784.4), dbSNP rs2476762004, ClinGen allele CA357367879.

ClinVar aggregate classification (germline): Uncertain significance (1 of 4 stars; one submission).

Submission:

Labcorp Genetics (formerly Invitae), Labcorp
Classification: Uncertain significance. Last evaluated: 2022-05-10. Review status: criteria provided, single submitter. Criteria: Invitae Variant Classification Sherloc (09022015). Collection method: clinical testing. Allele origin: germline.
Comment: In summary, the available evidence is currently insufficient to determine the role of this variant in disease. Therefore, it has been classified as a Variant of Uncertain Significance. Algorithms developed to predict the effect of missense changes on protein structure and function (SIFT, PolyPhen-2, Align-GVGD) all suggest that this variant is likely to be tolerated. This variant has not been reported in the literature in individuals affected with FRAS1-related conditions. This variant is not present in population databases (gnomAD no frequency). This sequence change replaces arginine, which is basic and polar, with lysine, which is basic and polar, at codon 574 of the FRAS1 protein (p.Arg574Lys).